The following is an entry in ClinVar:

NM_170754.4(TNS2):c.1843A>G (p.Thr615Ala)

Gene: TNS2 (tensin 2; plus strand). Cytogenetic location: 12q13.13.
Variant type: single nucleotide variant.
Coding change: c.1843A>G on transcript NM_170754.4 (MANE Select); coding-DNA position 1843, A replaced by G.
Protein change: p.Thr615Ala; replaces threonine 615 with alanine.
Molecular consequence: missense variant.
Genome position (GRCh38, 1-based): chr12:53,059,484, A>G. VCF-style: chr12-53059484-A-G. GRCh37 (hg19) VCF-style: chr12-53453268-A-G.
Other names: c.1873A>G (NM_015319.2); c.1843A>G, p.Thr615Ala (NM_001416202.1); c.1801A>G, p.Thr601Ala (NM_001416203.1); c.1870A>G, p.Thr624Ala (NM_001416204.1); c.1774A>G, p.Thr592Ala (NM_015319.3); c.1471A>G, p.Thr491Ala (NM_198316.2); short protein forms T491A, T592A, T601A, T615A, T624A.
Identifiers: ClinVar variation 2711718 (VCV002711718.5), dbSNP rs777361789, ClinGen allele CA6592457.

ClinVar aggregate classification (germline): Uncertain significance. Review status: criteria provided, single submitter (1 of 4 stars). 2 submissions from 2 submitters: Uncertain significance (1). 1 of the submissions does not count toward it. Last evaluated 2023-10-13.

Conditions:
TNS2-related disorder. Also called: TNS2-related condition.

Allele frequency attached by ClinVar (database versions not stated): gnomAD 0.00003; gnomAD exomes 0.00008; TOPMed 0.00013; ExAC 0.00078.
gnomAD v4.1: 118 of 1,559,660 alleles (0.0076%); highest among the groups gnomAD compares: Admixed American, 0.085%; no homozygotes.

Submissions (2):

Labcorp Genetics (formerly Invitae), Labcorp
Classification: Uncertain significance. Last evaluated: 2023-10-13. Review status: criteria provided, single submitter. Criteria: Invitae Variant Classification Sherloc (09022015). Collection method: clinical testing. Allele origin: germline.
Comment: This sequence change replaces threonine, which is neutral and polar, with alanine, which is neutral and non-polar, at codon 625 of the TNS2 protein (p.Thr625Ala). This variant is present in population databases (rs777361789, gnomAD 0.1%), and has an allele count higher than expected for a pathogenic variant. This variant has not been reported in the literature in individuals affected with TNS2-related conditions. An algorithm developed to predict the effect of missense changes on protein structure and function (PolyPhen-2) suggests that this variant is likely to be disruptive. In summary, the available evidence is currently insufficient to determine the role of this variant in disease. Therefore, it has been classified as a Variant of Uncertain Significance.

PreventionGenetics, part of Exact Sciences
Classification: Uncertain significance for TNS2-related condition. Last evaluated: 2024-01-16. Review status: no assertion criteria provided. Collection method: clinical testing. Allele origin: germline. Not counted in ClinVar's aggregate classification.
Comment: The TNS2 c.1873A>G variant is predicted to result in the amino acid substitution p.Thr625Ala. To our knowledge, this variant has not been reported in the literature. This variant is reported in 0.14% of alleles in individuals of Latino descent in gnomAD. Although we suspect this variant may be benign, at this time, the clinical significance of this variant is uncertain due to the absence of conclusive functional and genetic evidence.